The following is an entry in ClinVar:

NM_020831.6(MRTFA):c.2971C>G (p.Leu991Val)

Gene: MRTFA (myocardin related transcription factor A; minus strand). Cytogenetic location: 22q13.1.
Variant type: single nucleotide variant.
Coding change: c.2971C>G on transcript NM_020831.6 (MANE Select); coding-DNA position 2971, C replaced by G.
Protein change: p.Leu991Val; replaces leucine 991 with valine.
Molecular consequence: missense variant. On other transcripts: 3 prime UTR variant (1).
Genome position (GRCh38, 1-based): chr22:40,411,515, G>C on the plus strand (C>G on the coding strand, the complement: MRTFA is on the minus strand). VCF-style: chr22-40411515-G-C. GRCh37 (hg19) VCF-style: chr22-40807519-G-C.
Other names: c.2671C>G, p.Leu891Val (NM_001282660.2); c.2821C>G, p.Leu941Val (NM_001282661.3); c.*284C>G (NM_001282662.3); c.2776C>G, p.Leu926Val (NM_001318139.2); short protein forms L926V, L941V, L991V, L891V.
Identifiers: ClinVar variation 3689748 (VCV003689748.2).

ClinVar aggregate classification (germline): Uncertain significance (1 of 4 stars; one submission).

Submission:

Labcorp Genetics (formerly Invitae), Labcorp
Classification: Uncertain significance. Last evaluated: 2024-09-09. Review status: criteria provided, single submitter. Criteria: Invitae Variant Classification Sherloc (09022015). Collection method: clinical testing. Allele origin: germline.
Comment: This sequence change replaces leucine, which is neutral and non-polar, with valine, which is neutral and non-polar, at codon 891 of the MKL1 protein (p.Leu891Val). This variant is not present in population databases (gnomAD no frequency). This variant has not been reported in the literature in individuals affected with MKL1-related conditions. An algorithm developed to predict the effect of missense changes on protein structure and function (PolyPhen-2) suggests that this variant is likely to be disruptive. In summary, the available evidence is currently insufficient to determine the role of this variant in disease. Therefore, it has been classified as a Variant of Uncertain Significance.